The following is an entry in ClinVar:

ClinVar aggregate classification (germline): Likely benign (1 of 4 stars; one submission).

Allele frequency attached by ClinVar (database versions not stated): gnomAD exomes below 0.00001.
gnomAD v4.1: 5 of 1,602,174 alleles (0.00031%); highest among the groups gnomAD compares: East Asian, 0.0022%; no homozygotes.

Submission:

GeneDx
Classification: Likely benign. Last evaluated: 2016-02-23. Review status: criteria provided, single submitter. Criteria: GeneDx Variant Classification (06012015). Collection method: clinical testing. Allele origin: germline. Affected: yes.
Comment: This variant is considered likely benign or benign based on one or more of the following criteria: it is a conservative change, it occurs at a poorly conserved position in the protein, it is predicted to be benign by multiple in silico algorithms, and/or has population frequency not consistent with disease.

NM_006267.5(RANBP2):c.8113+12G>A

Gene: RANBP2 (RAN binding protein 2; plus strand). Cytogenetic location: 2q13.
Variant type: single nucleotide variant.
Coding change: c.8113+12G>A on transcript NM_006267.5 (MANE Select); 12 bases into the intron after coding-DNA position 8113, G replaced by A.
Molecular consequence: intron variant.
Genome position (GRCh38, 1-based): chr2:108,772,593, G>A. VCF-style: chr2-108772593-G-A. GRCh37 (hg19) VCF-style: chr2-109389049-G-A.
Identifiers: ClinVar variation 383275 (VCV000383275.1), dbSNP rs375754677, ClinGen allele CA16603732.